The following is an entry in ClinVar:

ClinVar aggregate classification (germline): Likely pathogenic (1 of 4 stars; one submission).

Conditions:
Landau-Kleffner syndrome (FESD). Also called: EPILEPSY, FOCAL, WITH SPEECH DISORDER AND WITH OR WITHOUT MENTAL RETARDATION; APHASIA, ACQUIRED, WITH EPILEPSY. Identifiers: Orphanet 1945, Orphanet 725, Orphanet 98818, MedGen C0282512, MONDO:0009509, OMIM 245570.

Submission:

Labcorp Genetics (formerly Invitae), Labcorp
Classification: Likely pathogenic for Landau-Kleffner syndrome. Last evaluated: 2021-03-29. Review status: criteria provided, single submitter. Criteria: Invitae Variant Classification Sherloc (09022015). Collection method: clinical testing. Allele origin: germline.
Comment: This variant, c.255_256insCTCATGTCCGGG, results in the insertion of 4 amino acid(s) to the GRIN2A protein (p.His85_Val86insLeuMetSerGly), but otherwise preserves the integrity of the reading frame. Algorithms developed to predict the effect of sequence changes on RNA splicing suggest that this variant may create or strengthen a splice site, but this prediction has not been confirmed by published transcriptional studies. This variant has been observed in individual(s) with clinical features of GRIN2A-related conditions (Invitae). In at least one individual the variant was observed to be de novo. This variant is not present in population databases (ExAC no frequency). In summary, the currently available evidence indicates that the variant is pathogenic, but additional data are needed to prove that conclusively. Therefore, this variant has been classified as Likely Pathogenic.

NM_001134407.3(GRIN2A):c.255_256insCTCATGTCCGGG (p.His85_Val86insLeuMetSerGly)

Gene: GRIN2A (glutamate ionotropic receptor NMDA type subunit 2A; minus strand). Cytogenetic location: 16p13.2.
Variant type: Insertion.
Coding change: c.255_256insCTCATGTCCGGG on transcript NM_001134407.3 (MANE Select); coding-DNA positions 255 to 256, CTCATGTCCGGG inserted.
Protein change: p.His85_Val86insLeuMetSerGly.
Molecular consequence: inframe insertion.
Genome position: GRCh38 VCF-style: chr16-10180156-C-CCCCGGACATGAG. GRCh37 (hg19) VCF-style: chr16-10274013-C-CCCCGGACATGAG.
Other names: c.255_256insCTCATGTCCGGG, p.His85_Val86insLeuMetSerGly (NM_000833.5, NM_001134408.2).
Identifiers: ClinVar variation 1493093 (VCV001493093.8), dbSNP rs2142389389, ClinGen allele CA2573151546.